The following is an entry in ClinVar:

ClinVar aggregate classification (germline): Pathogenic (1 of 4 stars; one submission).

Conditions:
Hereditary hemorrhagic telangiectasia (HHT). Also called: ORW DISEASE; Osler Weber Rendu syndrome; OSLER-RENDU-WEBER DISEASE; Osler hemorrhagic telangiectasia syndrome. Identifiers: Orphanet 774, MedGen C0039445, MONDO:0019180. Disease mechanism: loss of function.

Submission:

Labcorp Genetics (formerly Invitae), Labcorp
Classification: Pathogenic for Hereditary hemorrhagic telangiectasia. Last evaluated: 2021-03-02. Review status: criteria provided, single submitter. Criteria: Invitae Variant Classification Sherloc (09022015). Collection method: clinical testing. Allele origin: germline.
Comment: For these reasons, this variant has been classified as Pathogenic. This sequence change creates a premature translational stop signal (p.Phe279Serfs*80) in the ENG gene. It is expected to result in an absent or disrupted protein product. Loss-of-function variants in ENG are known to be pathogenic (PMID: 15879500). This variant is not present in population databases (ExAC no frequency). This variant has not been reported in the literature in individuals with ENG-related conditions.

Literature cited by the submitters: PubMed 15879500.

NM_001114753.3(ENG):c.836del (p.Phe279fs)

Gene: ENG (endoglin; minus strand). Cytogenetic location: 9q34.11.
Variant type: Deletion.
Coding change: c.836del on transcript NM_001114753.3 (MANE Select); coding-DNA position 836, one base deleted (T; older notation c.836delT).
Protein change: p.Phe279fs; shifts the reading frame from phenylalanine 279.
Molecular consequence: frameshift variant.
Genome position (GRCh38, 1-based): chr9:127,824,955, A deleted on the plus strand (T on the coding strand, the reverse complement: ENG is on the minus strand); the first of 2 consecutive A bases (chr9:127,824,955-127,824,956); deleting either gives the same sequence. VCF-style (leftmost placement, unchanged base first): chr9-127824954-GA-G. GRCh37 (hg19) VCF-style: chr9-130587233-GA-G.
Other names: c.835delT, p.Phe279Serfs (NM_000118.4, NM_001406715.1); c.290del, p.Phe97fs (NM_001278138.2); short protein forms F279fs, F97fs.
Identifiers: ClinVar variation 1427176 (VCV001427176.8), dbSNP rs2131887155, ClinGen allele CA2573143973.